The following is an entry in ClinVar:

ClinVar aggregate classification (germline): Uncertain significance. Review status: criteria provided, multiple submitters, no conflicts (2 of 4 stars). 3 submissions from 3 submitters: Uncertain significance (3). Last evaluated 2026-06-11.

Conditions:
GLI2-related disorder. Also called: GLI2-related condition; GLI2-related disorders.
Holoprosencephaly 9 (HPE9). Also called: PITUITARY ANOMALIES WITH HOLOPROSENCEPHALY-LIKE FEATURES; HOLOPROSENCEPHALY WITH MICROPHTHALMIA AND FIRST BRANCHIAL ARCH ANOMALIES. Identifiers: Orphanet 2162, MedGen C1835819, MONDO:0012563, OMIM 610829.
Postaxial polydactyly-anterior pituitary anomalies-facial dysmorphism syndrome. Also called: Culler-Jones syndrome. Identifiers: Orphanet 420584, MedGen C4014479, MONDO:0014369, OMIM 615849.

Allele frequency attached by ClinVar (database versions not stated): TOPMed 0.00004; gnomAD 0.00005.
gnomAD v4.1: 29 of 1,613,692 alleles (0.0018%); highest among the groups gnomAD compares: African/African-American, 0.012%; no homozygotes.

Submissions (3):

Women's Health and Genetics/Laboratory Corporation of America, LabCorp
Classification: Uncertain significance. Last evaluated: 2026-06-11. Review status: criteria provided, single submitter. Criteria: LabCorp Variant Classification Summary - May 2015. Collection method: clinical testing. Allele origin: germline.
Comment: Variant summary: GLI2 c.1681G>A (p.Glu561Lys) results in a conservative amino acid change in the encoded protein sequence. Algorithms developed to predict the effect of missense changes on protein structure and function are either unavailable or do not agree on the potential impact of this missense change. Consensus agreement among computation tools predict no significant impact on normal splicing. However, these predictions have yet to be confirmed by functional studies. The variant allele was found at a frequency of 2.8e-05 in 250822 control chromosomes. The available data on variant occurrences in the general population are insufficient to allow any conclusion about variant significance. To our knowledge, no occurrence of c.1681G>A in individuals affected with GLI2-related conditions and no experimental evidence demonstrating its impact on protein function have been reported. ClinVar contains an entry for this variant (Variation ID: 2629564). Based on the evidence outlined above, the variant was classified as uncertain significance.

Labcorp Genetics (formerly Invitae), Labcorp
Classification: Uncertain significance for Postaxial polydactyly-anterior pituitary anomalies-facial dysmorphism syndrome; Holoprosencephaly 9. Last evaluated: 2024-03-24. Review status: criteria provided, single submitter. Criteria: Invitae Variant Classification Sherloc (09022015). Collection method: clinical testing. Allele origin: germline.
Comment: This sequence change replaces glutamic acid, which is acidic and polar, with lysine, which is basic and polar, at codon 561 of the GLI2 protein (p.Glu561Lys). This variant is present in population databases (rs772471844, gnomAD 0.02%). This missense change has been observed in individual(s) with clinical features of GLI2-related conditions (Invitae). ClinVar contains an entry for this variant (Variation ID: 2629564). An algorithm developed to predict the effect of missense changes on protein structure and function (PolyPhen-2) suggests that this variant is likely to be disruptive. In summary, the available evidence is currently insufficient to determine the role of this variant in disease. Therefore, it has been classified as a Variant of Uncertain Significance.

PreventionGenetics, part of Exact Sciences
Classification: Uncertain significance for GLI2-related condition. Last evaluated: 2023-04-18. Review status: criteria provided, single submitter. Criteria: ACMG Guidelines, 2015. Collection method: clinical testing. Allele origin: germline.
Comment: The GLI2 c.1681G>A variant is predicted to result in the amino acid substitution p.Glu561Lys. To our knowledge, this variant has not been reported in the literature. This variant is reported in 0.012% of alleles in individuals of African descent in gnomAD. At this time, the clinical significance of this variant is uncertain due to the absence of conclusive functional and genetic evidence.

NM_001374353.1(GLI2):c.1630G>A (p.Glu544Lys)

Gene: GLI2 (GLI family zinc finger 2; plus strand). Cytogenetic location: 2q14.2.
Variant type: single nucleotide variant.
Coding change: c.1630G>A on transcript NM_001374353.1 (MANE Select); coding-DNA position 1630, G replaced by A.
Protein change: p.Glu544Lys; replaces glutamic acid 544 with lysine.
Molecular consequence: missense variant.
Genome position (GRCh38, 1-based): chr2:120,982,878, G>A. VCF-style: chr2-120982878-G-A. GRCh37 (hg19) VCF-style: chr2-121740454-G-A.
Other names: c.1681G>A, p.Glu561Lys (NM_001371271.1, NM_005270.5); c.1255G>A, p.Glu419Lys (NM_001374354.1); short protein forms E419K, E544K, E561K.
Identifiers: ClinVar variation 2629564 (VCV002629564.4), dbSNP rs772471844, ClinGen allele CA1851967.